The following is an entry in ClinVar:

ClinVar aggregate classification (germline): Uncertain significance (0 of 4 stars; one submission).

Conditions:
PLCD1-related disorder. Also called: PLCD1-related condition.

Submission:

PreventionGenetics, part of Exact Sciences
Classification: Uncertain significance for PLCD1-related condition. Last evaluated: 2024-08-30. Review status: no assertion criteria provided. Collection method: clinical testing. Allele origin: germline.
Comment: The PLCD1 c.1447G>A variant is predicted to result in the amino acid substitution p.Glu483Lys. This variant was reported in affected individuals in a family with hereditary leukonychia (referred to as c.1384G>A, p.E462K; Shen et al. 2021. PubMed ID: 33786625). This variant has not been reported in a large population database, indicating this variant is rare. At this time, the clinical significance of this variant is uncertain due to the absence of conclusive functional and genetic evidence.

NM_006225.4(PLCD1):c.1384G>A (p.Glu462Lys)

Gene: PLCD1 (phospholipase C delta 1; minus strand). Cytogenetic location: 3p22.2.
Variant type: single nucleotide variant.
Coding change: c.1384G>A on transcript NM_006225.4 (MANE Select); coding-DNA position 1384, G replaced by A.
Protein change: p.Glu462Lys; replaces glutamic acid 462 with lysine.
Molecular consequence: missense variant. On other transcripts: non-coding transcript variant (1).
Genome position (GRCh38, 1-based): chr3:38,009,715, C>T on the plus strand (G>A on the coding strand, the complement: PLCD1 is on the minus strand). VCF-style: chr3-38009715-C-T. GRCh37 (hg19) VCF-style: chr3-38051206-C-T.
Other names: c.1447G>A, p.Glu483Lys (NM_001130964.2); short protein forms E462K, E483K.
Identifiers: ClinVar variation 3346533 (VCV003346533.1).
Genomic context (GRCh38, chr3:38,009,715, plus strand): 5'-TGGGCTTGTGCTGCACACGGCTCCTCACTGCCTCATCCTCCATCTCAGCAGCCTCGTCTT[C>T]GTCTGACACCACAGTGGCCTCAGGGCCACCCTCCCCTCCAGGGGGCAGGAGCCCCCCGAG-3'
Protein context (NP_006216.2, residues 452-472): GGPEATVVSD[Glu462Lys]DEAAEMEDEA